The following is an entry in ClinVar:

ClinVar aggregate classification (germline): Uncertain significance (1 of 4 stars; one submission).

gnomAD v4.1: 2 of 1,566,710 alleles (0.00013%); highest among the groups gnomAD compares: East Asian, 0.0023%; no homozygotes.

Submission:

Labcorp Genetics (formerly Invitae), Labcorp
Classification: Uncertain significance. Last evaluated: 2022-04-20. Review status: criteria provided, single submitter. Criteria: Invitae Variant Classification Sherloc (09022015). Collection method: clinical testing. Allele origin: germline.
Comment: This sequence change affects codon 104 of the THBD mRNA. It is a 'silent' change, meaning that it does not change the encoded amino acid sequence of the THBD protein. In summary, the available evidence is currently insufficient to determine the role of this variant in disease. Therefore, it has been classified as a Variant of Uncertain Significance. This variant has not been reported in the literature in individuals affected with THBD-related conditions. This variant is present in population databases (no rsID available, gnomAD 0.008%).

NM_000361.3(THBD):c.312C>A (p.Pro104=)

Gene: THBD (thrombomodulin; minus strand). Cytogenetic location: 20p11.21.
Variant type: single nucleotide variant.
Coding change: c.312C>A on transcript NM_000361.3 (MANE Select); coding-DNA position 312, C replaced by A.
Protein change: p.Pro104=; no amino-acid change (proline 104 retained).
Molecular consequence: synonymous variant.
Genome position (GRCh38, 1-based): chr20:23,049,193, G>T on the plus strand (C>A on the coding strand, the complement: THBD is on the minus strand). VCF-style: chr20-23049193-G-T. GRCh37 (hg19) VCF-style: chr20-23029830-G-T.
Identifiers: ClinVar variation 2128216 (VCV002128216.4), dbSNP rs567418032, ClinGen allele CA510160983.